The following is an entry in ClinVar:

GRCh37/hg19 Xq24-25(chrX:119173583-126584360)x2

Genes: ATP1B4 (ATPase Na+/K+ transporting family member beta 4; plus strand), C1GALT1C1 (C1GALT1 specific chaperone 1; minus strand), CT47A1 (cancer/testis antigen family 47 member A1; minus strand), CT47A10 (cancer/testis antigen family 47 member A10; minus strand), CT47A11 (cancer/testis antigen family 47 member A11; minus strand) and 28 more. Cytogenetic location: Xq24-25.
Variant type: copy number gain.
Change: copy number 2 of chrX:119,173,583-126,584,360 (7.41 Mb, GRCh37 coordinates, 1-based), cytogenetic band Xq24-25.
Identifiers: ClinVar variation 1341314 (VCV001341314.1).

ClinVar aggregate classification (germline): Pathogenic (0 of 4 stars; one submission).

Submission:

Quest Diagnostics Nichols Institute San Juan Capistrano
Classification: Pathogenic. Last evaluated: 2021-03-01. Review status: no assertion criteria provided. Collection method: clinical testing. Allele origin: germline.
Comment: This large copy number gain of Xq24q25 involves multiple coding genes and is expected to cause phenotypic and/or developmental abnormalities. It fully encompasses the region associated with Xq25 duplication syndrome (OMIM 300979), of which the genes of STAG2, THOC2, and XIAP may be critical to the phenotype. Patients with smaller duplications involving these genes have a reported phenotype including intellectual disability/developmental delay, a distinctive facial dysmorphism, brain anomalies, epilepsy, and other clinical issues (Turchi et al., Clin Dysmorphol. 2020 Apr;29(2):90-96. PMID: 31609727; Leroy et al. Clin Genet. 2016 Jan;89(1):68-73. PMID: 25677961; Kumar R et al. Hum Mol Genet. 2015 Dec 20;24(25):7171-8: PMID: 26443594; Di Benedetto et al. Am J Med Genet A. 2014 Aug;164A(8):1923-30. PMID: 24733578; Yingjun et al. Eur J Med Genet. 2015 Feb;58(2):116-21. PMID: 25450604; Philippe et al., Am J Med Genet A. 2013 Jun;161A(6):1370-5., PMID: 23637084). Carrier females may be mildly affected. Most of the individuals with Xq25 duplication syndrome are inherited from a heterozygous mother with a few cases arising de novo. This large copy number gain also includes a few genes associated with OMIM phenotype such as: LAMP2 (OMIM 300257), CUL4B (OMIM 300354) , GLUD2 (OMIM 168600), GRIA3 (OMIM 300699), THOC2 (OMIM 300957), XIAP (OMIM 300635), STAG2 (OMIM 301043 and 301022), and SH2D1A (OMIM 308240).